The following is an entry in ClinVar:

ClinVar aggregate classification (germline): Uncertain significance. Review status: criteria provided, multiple submitters, no conflicts (2 of 4 stars). 3 submissions from 3 submitters: Uncertain significance (3). Last evaluated 2026-04-25.

Conditions:
PLEC-related disorder. Also called: PLEC-related condition; PLEC-related disorders.
Epidermolysis bullosa simplex, Ogna type (EBS5A). Also called: Pidermolysis bullosa simplex 5A, Ogna type; EPIDERMOLYSIS BULLOSA SIMPLEX 5A, OGNA TYPE. Identifiers: Orphanet 79401, MedGen C0432317, MONDO:0007555, OMIM 131950.
Epidermolysis bullosa simplex 5B, with muscular dystrophy (EBS5B). Also called: Epidermolysis bullosa simplex with muscular dystrophy; EPIDERMOLYSIS BULLOSA SIMPLEX AND LIMB-GIRDLE MUSCULAR DYSTROPHY. Identifiers: Orphanet 257, MedGen C2931072, MONDO:0009181, OMIM 226670.
Epidermolysis bullosa simplex 5C, with pyloric atresia (EBS5C). Also called: PLEC-Related Epidermolysis Bullosa with Pyloric Atresia; Epidermolysis bullosa simplex with pyloric atresia; PLEC1-Related Epidermolysis Bullosa with Pyloric Atresia. Identifiers: Orphanet 158684, MedGen C2677349, MONDO:0012807, OMIM 612138.
Autosomal recessive limb-girdle muscular dystrophy type 2Q (LGMDR17). Also called: MUSCULAR DYSTROPHY, LIMB-GIRDLE, AUTOSOMAL RECESSIVE 17. Identifiers: Orphanet 254361, MedGen C3150989, MONDO:0013390, OMIM 613723.
Epidermolysis bullosa simplex with nail dystrophy (EBS5D). Identifiers: MedGen C4225309, MONDO:0014661, OMIM 616487.
Inborn genetic diseases. Identifiers: MedGen C0950123, MeSH D030342.

Allele frequency attached by ClinVar (database versions not stated): gnomAD exomes 0.00001; TOPMed 0.00001; ExAC 0.00001.
gnomAD v4.1: 9 of 1,592,786 alleles (0.00057%); highest among the groups gnomAD compares: East Asian, 0.0045%; no homozygotes.

Submissions (3):

PreventionGenetics, part of Exact Sciences
Classification: Uncertain significance for PLEC-related condition. Last evaluated: 2026-04-25. Review status: criteria provided, single submitter. Criteria: ACMG Guidelines, 2015. Collection method: clinical testing. Allele origin: germline.
Comment: The PLEC c.6404G>A variant is predicted to result in the amino acid substitution p.Arg2135Gln. To our knowledge, this variant has not been reported in the literature. This variant is reported in 0.0080% of alleles in individuals of African descent in gnomAD. At this time, the clinical significance of this variant is uncertain due to the absence of conclusive functional and genetic evidence.

Ambry Genetics
Classification: Uncertain significance for Inborn genetic diseases. Last evaluated: 2025-04-30. Review status: criteria provided, single submitter. Criteria: Ambry Variant Classification Scheme 2023. Collection method: clinical testing. Allele origin: germline.

Labcorp Genetics (formerly Invitae), Labcorp
Classification: Uncertain significance for Autosomal recessive limb-girdle muscular dystrophy type 2Q; Epidermolysis bullosa simplex, Ogna type; Epidermolysis bullosa simplex with nail dystrophy; Epidermolysis bullosa simplex 5C, with pyloric atresia; Epidermolysis bullosa simplex 5B, with muscular dystrophy. Last evaluated: 2022-03-19. Review status: criteria provided, single submitter. Criteria: Invitae Variant Classification Sherloc (09022015). Collection method: clinical testing. Allele origin: germline.
Comment: This sequence change replaces arginine, which is basic and polar, with glutamine, which is neutral and polar, at codon 2135 of the PLEC protein (p.Arg2135Gln). The frequency data for this variant in the population databases is considered unreliable, as metrics indicate poor data quality at this position in the gnomAD database. This variant has not been reported in the literature in individuals affected with PLEC-related conditions. Algorithms developed to predict the effect of missense changes on protein structure and function are either unavailable or do not agree on the potential impact of this missense change (SIFT: "Deleterious"; PolyPhen-2: "Benign"; Align-GVGD: "Class C0"). In summary, the available evidence is currently insufficient to determine the role of this variant in disease. Therefore, it has been classified as a Variant of Uncertain Significance.

NM_201384.3(PLEC):c.6323G>A (p.Arg2108Gln)

Gene: PLEC (plectin; minus strand). Cytogenetic location: 8q24.3.
Variant type: single nucleotide variant.
Coding change: c.6323G>A on transcript NM_201384.3 (MANE Select); coding-DNA position 6323, G replaced by A.
Protein change: p.Arg2108Gln; replaces arginine 2108 with glutamine.
Molecular consequence: missense variant.
Genome position (GRCh38, 1-based): chr8:143,923,606, C>T on the plus strand (G>A on the coding strand, the complement: PLEC is on the minus strand). VCF-style: chr8-143923606-C-T. GRCh37 (hg19) VCF-style: chr8-144997774-C-T.
Other names: c.6404G>A (NM_000445.4, NM_000445.3); c.6404G>A, p.Arg2135Gln (NM_000445.5); c.6281G>A, p.Arg2094Gln (NM_201378.4); c.6257G>A, p.Arg2086Gln (NM_201379.3); c.6734G>A, p.Arg2245Gln (NM_201380.4); c.6227G>A, p.Arg2076Gln (NM_201381.3); c.6323G>A, p.Arg2108Gln (NM_201382.4); c.6335G>A, p.Arg2112Gln (NM_201383.3); short protein forms R2076Q, R2086Q, R2108Q, R2135Q, R2112Q, R2094Q, R2245Q.
Identifiers: ClinVar variation 1930354 (VCV001930354.7), dbSNP rs782604109, ClinGen allele CA4926037.